The following is an entry in ClinVar:

ClinVar aggregate classification (germline): Conflicting classifications of pathogenicity. Review status: criteria provided, conflicting classifications (1 of 4 stars). 4 submissions from 4 submitters: Uncertain significance (1); Benign (1); Likely benign (2). Last evaluated 2025-11-01.

Conditions:
Glomerulopathy with fibronectin deposits 2 (GFND2). Identifiers: Orphanet 84090, MedGen C1866075, MONDO:0011165, OMIM 601894.
Spondylometaphyseal dysplasia - Sutcliffe type. Also called: Spondylometaphyseal Dysplasia, Corner Fracture Type; Sutcliffe type of spondylometaphyseal dysplasia; Sutcliffe SMD; Spondylometaphyseal dysplasia, 'corner fracture' type. Identifiers: Orphanet 93315, MedGen C0432221, MONDO:0008479, OMIM 184255.

Allele frequency attached by ClinVar (database versions not stated): TOPMed 0.00002; gnomAD 0.00004; ExAC 0.00005.
gnomAD v4.1: 83 of 1,613,398 alleles (0.0051%); highest among the groups gnomAD compares: South Asian, 0.069%; 1 homozygote.

Submissions (4):

Mayo Clinic Laboratories, Mayo Clinic
Classification: Likely benign. Last evaluated: 2025-11-01. Review status: criteria provided, single submitter. Criteria: ACMG Guidelines, 2015. Collection method: clinical testing. Allele origin: germline. Observed: 1 variant allele.
Comment: BS1, BP4

Fulgent Genetics
Classification: Uncertain significance for Spondylometaphyseal dysplasia - Sutcliffe type; Glomerulopathy with fibronectin deposits 2. Last evaluated: 2024-02-08. Review status: criteria provided, single submitter. Criteria: ACMG Guidelines, 2015. Collection method: clinical testing. Allele origin: germline.

Blueprint Genetics
Classification: Likely benign. Last evaluated: 2023-08-22. Review status: criteria provided, single submitter. Criteria: ACMG Guidelines, 2015. Collection method: clinical testing. Allele origin: germline.

Labcorp Genetics (formerly Invitae), Labcorp
Classification: Benign. Last evaluated: 2023-03-17. Review status: criteria provided, single submitter. Criteria: Invitae Variant Classification Sherloc (09022015). Collection method: clinical testing. Allele origin: germline.

NM_212482.4(FN1):c.3448G>A (p.Val1150Ile)

Gene: FN1 (fibronectin 1; minus strand). Cytogenetic location: 2q35.
Variant type: single nucleotide variant.
Coding change: c.3448G>A on transcript NM_212482.4 (MANE Select); coding-DNA position 3448, G replaced by A.
Protein change: p.Val1150Ile; replaces valine 1150 with isoleucine.
Molecular consequence: missense variant.
Genome position (GRCh38, 1-based): chr2:215,397,749, C>T on the plus strand (G>A on the coding strand, the complement: FN1 is on the minus strand). VCF-style: chr2-215397749-C-T. GRCh37 (hg19) VCF-style: chr2-216262472-C-T.
Other names: p.Val1150Ile; c.3448G>A (NM_212482.3); c.3448G>A, p.Val1150Ile (NM_001306129.2, NM_001306130.2, NM_001306131.2 and 13 more transcripts); short protein forms V1150I.
Identifiers: ClinVar variation 2203260 (VCV002203260.7), dbSNP rs767986025, ClinGen allele CA2094707.